The following is an entry in ClinVar:

ClinVar aggregate classification (germline): Uncertain significance (1 of 4 stars; one submission).

Submission:

Labcorp Genetics (formerly Invitae), Labcorp
Classification: Uncertain significance. Last evaluated: 2021-12-03. Review status: criteria provided, single submitter. Criteria: Invitae Variant Classification Sherloc (09022015). Collection method: clinical testing. Allele origin: germline.
Comment: This sequence change replaces alanine, which is neutral and non-polar, with serine, which is neutral and polar, at codon 187 of the VCAN protein (p.Ala187Ser). In summary, the available evidence is currently insufficient to determine the role of this variant in disease. Therefore, it has been classified as a Variant of Uncertain Significance. Algorithms developed to predict the effect of missense changes on protein structure and function (SIFT, PolyPhen-2, Align-GVGD) all suggest that this variant is likely to be disruptive. This variant has not been reported in the literature in individuals affected with VCAN-related conditions. This variant is not present in population databases (gnomAD no frequency).

NM_004385.5(VCAN):c.559G>T (p.Ala187Ser)

Gene: VCAN (versican; plus strand). Cytogenetic location: 5q14.2.
Variant type: single nucleotide variant.
Coding change: c.559G>T on transcript NM_004385.5 (MANE Select); coding-DNA position 559, G replaced by T.
Protein change: p.Ala187Ser; replaces alanine 187 with serine.
Molecular consequence: missense variant.
Genome position (GRCh38, 1-based): chr5:83,493,659, G>T. VCF-style: chr5-83493659-G-T. GRCh37 (hg19) VCF-style: chr5-82789478-G-T.
Other names: c.559G>T, p.Ala187Ser (NM_001126336.3, NM_001164097.2, NM_001164098.2); short protein forms A187S.
Identifiers: ClinVar variation 1477005 (VCV001477005.6), dbSNP rs2112358633, ClinGen allele CA360296371.
Genomic context (GRCh38, chr5:83,493,659, plus strand): 5'-GCTGCTCAGAAGGCTTGTTTGGACGTTGGGGCAGTCATAGCAACTCCAGAGCAGCTCTTT[G>T]CTGCCTATGAAGATGGATTTGAGCAGTGTGACGCAGGCTGGCTGGCTGATCAGACTGTCA-3'
Protein context (NP_004376.2, residues 177-197): AVIATPEQLF[Ala187Ser]AYEDGFEQCD